The following is an entry in ClinVar:

NM_000256.3(MYBPC3):c.1351+3G>T

Gene: MYBPC3 (myosin binding protein C3; minus strand). Cytogenetic location: 11p11.2.
Variant type: single nucleotide variant.
Coding change: c.1351+3G>T on transcript NM_000256.3 (MANE Select); 3 bases into the intron after coding-DNA position 1351, G replaced by T.
Molecular consequence: intron variant.
Genome position (GRCh38, 1-based): chr11:47,343,018, C>A on the plus strand (G>T on the coding strand, the complement: MYBPC3 is on the minus strand). VCF-style: chr11-47343018-C-A. GRCh37 (hg19) VCF-style: chr11-47364569-C-A.
Identifiers: ClinVar variation 1804665 (VCV001804665.7), dbSNP rs2495763945, ClinGen allele CA2580084272.

ClinVar aggregate classification (germline): Uncertain significance. Review status: criteria provided, multiple submitters, no conflicts (2 of 4 stars). 3 submissions from 3 submitters: Uncertain significance (3). Last evaluated 2023-12-13.

Conditions:
Hypertrophic cardiomyopathy. Also called: HYPERTROPHIC MYOCARDIOPATHY. Identifiers: Orphanet 217569, MedGen C0007194, MeSH D002312, MONDO:0005045, HP:0001639.

Submissions (3):

All of Us Research Program, National Institutes of Health
Classification: Uncertain significance for Hypertrophic cardiomyopathy. Last evaluated: 2023-12-13. Review status: criteria provided, single submitter. Criteria: ACMG Guidelines, 2015. Collection method: clinical testing. Allele origin: germline. Inheritance: Autosomal dominant inheritance. Observed: 1 variant allele, 1 heterozygote.
Comment: This variant causes a G to T nucleotide substitution at the +3 position of intron 15 of the MYBPC3 gene. To our knowledge, functional studies have not been reported for this variant. This variant has not been reported in individuals affected with MYBPC3-related disorders in the literature. This variant has not been identified in the general population by the Genome Aggregation Database (gnomAD). The available evidence is insufficient to determine the role of this variant in disease conclusively. Therefore, this variant is classified as a Variant of Uncertain Significance.

This study involves interpretation of variants in research participants for the purpose of population health screening. Participant phenotype was not available at the time of variant classification. Additional details can be found in publication PMID: 35346344, PMCID: PMC8962531

Women's Health and Genetics/Laboratory Corporation of America, LabCorp
Classification: Uncertain significance. Last evaluated: 2022-11-17. Review status: criteria provided, single submitter. Criteria: LabCorp Variant Classification Summary - May 2015. Collection method: clinical testing. Allele origin: germline.
Comment: Variant summary: MYBPC3 c.1351+3G>T alters a conserved nucleotide located close to a canonical splice site and therefore could affect mRNA splicing, leading to a significantly altered protein sequence. Several computational tools predict a significant impact on normal splicing: One predicts the variant abolishes a 5' splicing donor site. Three predict the variant weakens a 5' donor site. However, these predictions have yet to be confirmed by functional studies. The variant was absent in 247588 control chromosomes (gnomAD). The available data on variant occurrences in the general population are insufficient to allow any conclusion about variant significance. To our knowledge, no occurrence of c.1351+3G>T in individuals affected with Dilated Cardiomyopathy and no experimental evidence demonstrating its impact on protein function have been reported. No clinical diagnostic laboratories have submitted clinical-significance assessments for this variant to ClinVar after 2014. Based on the evidence outlined above, the variant was classified as uncertain significance.

Labcorp Genetics (formerly Invitae), Labcorp
Classification: Uncertain significance for Hypertrophic cardiomyopathy. Last evaluated: 2022-05-05. Review status: criteria provided, single submitter. Criteria: Invitae Variant Classification Sherloc (09022015). Collection method: clinical testing. Allele origin: germline.
Comment: This sequence change falls in intron 15 of the MYBPC3 gene. It does not directly change the encoded amino acid sequence of the MYBPC3 protein. It affects a nucleotide within the consensus splice site. This variant is not present in population databases (gnomAD no frequency). This variant has not been reported in the literature in individuals affected with MYBPC3-related conditions. Variants that disrupt the consensus splice site are a relatively common cause of aberrant splicing (PMID: 17576681, 9536098). Algorithms developed to predict the effect of sequence changes on RNA splicing suggest that this variant is not likely to affect RNA splicing. In summary, the available evidence is currently insufficient to determine the role of this variant in disease. Therefore, it has been classified as a Variant of Uncertain Significance.

Literature cited by the submitters: PubMed 17576681 (cited by Labcorp Genetics (formerly Invitae), Labcorp); PubMed 9536098 (cited by Labcorp Genetics (formerly Invitae), Labcorp).